The following is an entry in ClinVar:

ClinVar aggregate classification (germline): Uncertain significance (1 of 4 stars; one submission).

Conditions:
Charcot-Marie-Tooth disease dominant intermediate C (CMTDIC). Also called: CHARCOT-MARIE-TOOTH NEUROPATHY, DOMINANT INTERMEDIATE C. Identifiers: Orphanet 100045, MedGen C1842237, MONDO:0012012, OMIM 608323.

Allele frequency attached by ClinVar (database versions not stated): gnomAD 0.00001; ExAC 0.00002.
gnomAD v4.1: 9 of 1,614,014 alleles (0.00056%); highest among the groups gnomAD compares: African/African-American, 0.0027%; no homozygotes.

Submission:

Labcorp Genetics (formerly Invitae), Labcorp
Classification: Uncertain significance for Charcot-Marie-Tooth disease dominant intermediate C. Last evaluated: 2025-12-16. Review status: criteria provided, single submitter. Criteria: Invitae Variant Classification Sherloc (09022015). Collection method: clinical testing. Allele origin: germline.
Comment: This sequence change replaces arginine, which is basic and polar, with glutamine, which is neutral and polar, at codon 237 of the YARS protein (p.Arg237Gln). This variant is present in population databases (rs763285294, gnomAD 0.004%). This missense change has been observed in individual(s) with Charcot-Marie-Tooth disease (PMID: 30373780). ClinVar contains an entry for this variant (Variation ID: 2910103). Invitae Evidence Modeling of protein sequence and biophysical properties (such as structural, functional, and spatial information, amino acid conservation, physicochemical variation, residue mobility, and thermodynamic stability) indicates that this missense variant is not expected to disrupt YARS protein function with a negative predictive value of 80%. In summary, the available evidence is currently insufficient to determine the role of this variant in disease. Therefore, it has been classified as a Variant of Uncertain Significance.

Literature cited by the submitters: PubMed 30373780.

NM_003680.4(YARS1):c.710G>A (p.Arg237Gln)

Genes: YARS1 (tyrosyl-tRNA synthetase 1; minus strand), LOC126805688 (BRD4-independent group 4 enhancer GRCh37_chr1:33251929-33253128; plus strand). Cytogenetic location: 1p35.1.
Variant type: single nucleotide variant.
Coding change: c.710G>A on transcript NM_003680.4 (MANE Select); coding-DNA position 710, G replaced by A.
Protein change: p.Arg237Gln; replaces arginine 237 with glutamine.
Molecular consequence: missense variant.
Genome position (GRCh38, 1-based): chr1:32,787,050, C>T on the plus strand (G>A on the coding strand, the complement: YARS1 is on the minus strand). VCF-style: chr1-32787050-C-T. GRCh37 (hg19) VCF-style: chr1-33252651-C-T.
Other names: short protein forms R237Q.
Identifiers: ClinVar variation 2910103 (VCV002910103.3), dbSNP rs763285294, ClinGen allele CA745121.